The following is an entry in ClinVar:

ClinVar aggregate classification (germline): Uncertain significance (1 of 4 stars; one submission).

Submission:

GeneDx
Classification: Uncertain significance. Last evaluated: 2023-02-06. Review status: criteria provided, single submitter. Criteria: GeneDx Variant Classification Process June 2021. Collection method: clinical testing. Allele origin: germline. Affected: yes.
Comment: Has not been previously published as pathogenic or benign to our knowledge; Not observed at significant frequency in large population cohorts (gnomAD); Missense variants in this gene are often considered pathogenic (HGMD); This substitution is predicted to be within the transmembrane segment S2 of the third homologous domain.; In silico analysis supports that this missense variant does not alter protein structure/function

NM_001040142.2(SCN2A):c.3754A>C (p.Ile1252Leu)

Gene: SCN2A (sodium voltage-gated channel alpha subunit 2; plus strand). Cytogenetic location: 2q24.3.
Variant type: single nucleotide variant.
Coding change: c.3754A>C on transcript NM_001040142.2 (MANE Select); coding-DNA position 3754, A replaced by C.
Protein change: p.Ile1252Leu; replaces isoleucine 1252 with leucine.
Molecular consequence: missense variant.
Genome position (GRCh38, 1-based): chr2:165,370,204, A>C. VCF-style: chr2-165370204-A-C. GRCh37 (hg19) VCF-style: chr2-166226714-A-C.
Other names: c.3754A>C, p.Ile1252Leu (NM_001040143.2, NM_001371246.1, NM_001371247.1 and 1 more transcripts); short protein forms I1252L.
Identifiers: ClinVar variation 2574945 (VCV002574945.1), dbSNP rs773618513, ClinGen allele CA349027950.